The following is an entry in ClinVar:

NM_139276.3(STAT3):c.832C>T (p.Arg278Cys)

Gene: STAT3 (signal transducer and activator of transcription 3; minus strand). Cytogenetic location: 17q21.2.
Variant type: single nucleotide variant.
Coding change: c.832C>T on transcript NM_139276.3 (MANE Select); coding-DNA position 832, C replaced by T.
Protein change: p.Arg278Cys; replaces arginine 278 with cysteine.
Molecular consequence: missense variant.
Genome position (GRCh38, 1-based): chr17:42,334,015, G>A on the plus strand (C>T on the coding strand, the complement: STAT3 is on the minus strand). VCF-style: chr17-42334015-G-A. GRCh37 (hg19) VCF-style: chr17-40486033-G-A.
Other names: c.832C>T, p.Arg278Cys (NM_001369512.1, NM_001369513.1, NM_001369514.1 and 15 more transcripts); c.754C>T, p.Arg252Cys (NM_001384985.1); c.736C>T, p.Arg246Cys (NM_001384989.1); short protein forms R278C, R246C, R252C.
Identifiers: ClinVar variation 450010 (VCV000450010.11), dbSNP rs1555566945, ClinGen allele CA399591436.

ClinVar aggregate classification (germline): Likely pathogenic. Review status: criteria provided, multiple submitters, no conflicts (2 of 4 stars). 2 submissions from 2 submitters: Likely pathogenic (2). Last evaluated 2025-06-04.

Conditions:
STAT3 gain of function. Identifiers: MedGen C4288261.
Hyper-IgE recurrent infection syndrome 1, autosomal dominant. Also called: JOB SYNDROME; Hyper-IgE recurrent infection syndrome 1; HYPER-IgE SYNDROME 1, AUTOSOMAL DOMINANT, WITH RECURRENT INFECTIONS; STAT3 Hyper IgE Syndrome; Job's Syndrome. Identifiers: Orphanet 2314, MedGen C2936739, MONDO:0007818, OMIM 147060.

Allele frequency attached by ClinVar (database versions not stated): gnomAD exomes below 0.00001.
gnomAD v4.1: 1 of 1,614,076 alleles (0.000062%); highest among the groups gnomAD compares: Non-Finnish European, 0.000085%; no homozygotes.

Submissions (2):

Labcorp Genetics (formerly Invitae), Labcorp
Classification: Likely pathogenic for STAT3 gain of function; Hyper-IgE recurrent infection syndrome 1, autosomal dominant. Last evaluated: 2025-06-04. Review status: criteria provided, single submitter. Criteria: Invitae Variant Classification Sherloc (09022015). Collection method: clinical testing. Allele origin: germline.
Comment: This sequence change replaces arginine, which is basic and polar, with cysteine, which is neutral and slightly polar, at codon 278 of the STAT3 protein (p.Arg278Cys). This variant is not present in population databases (gnomAD no frequency). This missense change has been observed in individual(s) with clinical features of STAT3 gain of function autoimmune disease and/or clinical features of STAT3-related conditions (PMID: 30443250, 36228738; internal data). ClinVar contains an entry for this variant (Variation ID: 450010). Invitae Evidence Modeling of protein sequence and biophysical properties (such as structural, functional, and spatial information, amino acid conservation, physicochemical variation, residue mobility, and thermodynamic stability) indicates that this missense variant is expected to disrupt STAT3 protein function with a positive predictive value of 80%. This variant disrupts the p.Arg278 amino acid residue in STAT3. Other variant(s) that disrupt this residue have been determined to be pathogenic (PMID: 28579554). This suggests that this residue is clinically significant, and that variants that disrupt this residue are likely to be disease-causing. In summary, the currently available evidence indicates that the variant is pathogenic, but additional data are needed to prove that conclusively. Therefore, this variant has been classified as Likely Pathogenic.

GeneDx
Classification: Likely pathogenic. Last evaluated: 2025-02-21. Review status: criteria provided, single submitter. Criteria: GeneDx Variant Classification Process June 2021. Collection method: clinical testing. Allele origin: germline. Affected: yes.
Comment: In silico analysis supports that this missense variant has a deleterious effect on protein structure/function; Not observed at significant frequency in large population cohorts (gnomAD); This variant is associated with the following publications: (PMID: 17676033, 18602572, 32428713, 30825606, 36228738, 28579554, 30443250)

Literature cited by the submitters: PubMed 30443250 (cited by Labcorp Genetics (formerly Invitae), Labcorp); PubMed 36228738 (cited by Labcorp Genetics (formerly Invitae), Labcorp); PubMed 28579554 (cited by Labcorp Genetics (formerly Invitae), Labcorp).